The following is an entry in ClinVar:

ClinVar aggregate classification (germline): Uncertain significance (1 of 4 stars; one submission).

Submission:

GeneDx
Classification: Uncertain significance. Last evaluated: 2024-07-18. Review status: criteria provided, single submitter. Criteria: GeneDx Variant Classification Process June 2021. Collection method: clinical testing. Allele origin: germline. Affected: yes.
Comment: Not observed at significant frequency in large population cohorts (gnomAD); In silico analysis indicates that this variant does not alter protein structure/function; Has not been previously published as pathogenic or benign to our knowledge

NM_006766.5(KAT6A):c.2830_2831delinsTG (p.Val944Cys)

Gene: KAT6A (lysine acetyltransferase 6A; minus strand). Cytogenetic location: 8p11.21.
Variant type: Indel.
Coding change: c.2830_2831delinsTG on transcript NM_006766.5 (MANE Select); coding-DNA positions 2830 to 2831, GT replaced by TG.
Protein change: p.Val944Cys; replaces valine 944 with cysteine.
Molecular consequence: missense variant.
Genome position (GRCh38, 1-based): chr8:41,941,050-41,941,051, AC replaced by CA on the plus strand (GT replaced by TG on the coding strand, the reverse complement: KAT6A is on the minus strand). VCF-style: chr8-41941050-AC-CA. GRCh37 (hg19) VCF-style: chr8-41798568-AC-CA.
Other names: short protein forms V944C.
Identifiers: ClinVar variation 3600782 (VCV003600782.1).